The following is an entry in ClinVar:

ClinVar aggregate classification (germline): Uncertain significance. Review status: criteria provided, multiple submitters, no conflicts (2 of 4 stars). 3 submissions from 3 submitters: Uncertain significance (3). Last evaluated 2025-03-26.

Conditions:
Oligodontia-cancer predisposition syndrome. Also called: TOOTH AGENESIS-COLORECTAL CANCER SYNDROME. Identifiers: Orphanet 300576, MedGen C1837750, MONDO:0012075, OMIM 608615. Disease mechanism: loss of function.

gnomAD v4.1: 1 of 1,566,636 alleles (0.000064%); highest among the groups gnomAD compares: Non-Finnish European, 0.000086%; no homozygotes.

Submissions (3):

Labcorp Genetics (formerly Invitae), Labcorp
Classification: Uncertain significance for Oligodontia-cancer predisposition syndrome. Last evaluated: 2025-03-26. Review status: criteria provided, single submitter. Criteria: Invitae Variant Classification Sherloc (09022015). Collection method: clinical testing. Allele origin: germline.
Comment: This sequence change replaces glycine, which is neutral and non-polar, with arginine, which is basic and polar, at codon 406 of the AXIN2 protein (p.Gly406Arg). This variant is not present in population databases (gnomAD no frequency). This variant has not been reported in the literature in individuals affected with AXIN2-related conditions. ClinVar contains an entry for this variant (Variation ID: 2692025). An algorithm developed to predict the effect of missense changes on protein structure and function (PolyPhen-2) suggests that this variant is likely to be tolerated. In summary, the available evidence is currently insufficient to determine the role of this variant in disease. Therefore, it has been classified as a Variant of Uncertain Significance.

Center for Genomic Medicine, Rigshospitalet, Copenhagen University Hospital
Classification: Uncertain significance. Last evaluated: 2025-03-04. Review status: criteria provided, single submitter. Criteria: ACMG Guidelines, 2015. Collection method: clinical testing. Allele origin: germline.

GeneDx
Classification: Uncertain significance. Last evaluated: 2025-01-07. Review status: criteria provided, single submitter. Criteria: GeneDx Variant Classification Process June 2021. Collection method: clinical testing. Allele origin: germline. Affected: yes.
Comment: Not observed at significant frequency in large population cohorts (gnomAD); In silico analysis indicates that this missense variant does not alter protein structure/function; Has not been previously published as pathogenic or benign to our knowledge; This variant is associated with the following publications: (PMID: 15735151)

NM_004655.4(AXIN2):c.1216G>C (p.Gly406Arg)

Gene: AXIN2 (axin 2; minus strand). Cytogenetic location: 17q24.1.
Variant type: single nucleotide variant.
Coding change: c.1216G>C on transcript NM_004655.4 (MANE Select); coding-DNA position 1216, G replaced by C.
Protein change: p.Gly406Arg; replaces glycine 406 with arginine.
Molecular consequence: missense variant.
Genome position (GRCh38, 1-based): chr17:65,537,820, C>G on the plus strand (G>C on the coding strand, the complement: AXIN2 is on the minus strand). VCF-style: chr17-65537820-C-G. GRCh37 (hg19) VCF-style: chr17-63533938-C-G.
Other names: c.1216G>C, p.Gly406Arg (NM_001363813.1); short protein forms G406R.
Identifiers: ClinVar variation 2692025 (VCV002692025.5), dbSNP rs2509418496, ClinGen allele CA400677944.